The following is an entry in ClinVar:

NM_000199.5(SGSH):c.997T>C (p.Tyr333His)

Gene: SGSH (N-sulfoglucosamine sulfohydrolase; minus strand). Cytogenetic location: 17q25.3.
Variant type: single nucleotide variant.
Coding change: c.997T>C on transcript NM_000199.5 (MANE Select); coding-DNA position 997, T replaced by C.
Protein change: p.Tyr333His; replaces tyrosine 333 with histidine.
Molecular consequence: missense variant. On other transcripts: 3 prime UTR variant (2), non-coding transcript variant (1).
Genome position (GRCh38, 1-based): chr17:80,210,964, A>G on the plus strand (T>C on the coding strand, the complement: SGSH is on the minus strand). VCF-style: chr17-80210964-A-G. GRCh37 (hg19) VCF-style: chr17-78184763-A-G.
Other names: c.*84T>C (NM_001352921.3); c.*47T>C (NM_001352922.2); short protein forms Y333H.
Identifiers: ClinVar variation 1415673 (VCV001415673.5), dbSNP rs924984538, ClinGen allele CA294891157.

ClinVar aggregate classification (germline): Uncertain significance (1 of 4 stars; one submission).

Conditions:
Mucopolysaccharidosis, MPS-III-A (MPS3A). Also called: HEPARAN SULFATE SULFATASE DEFICIENCY; SANFILIPPO SYNDROME A; SULFAMIDASE DEFICIENCY; MPS III A; MPS IIIA (Sanfilippo Syndrome Type A); Mucopolysaccharidosis type IIIA (Sanfilippo A). Identifiers: Orphanet 581, Orphanet 79269, MedGen C0086647, MONDO:0009655, OMIM 252900.

Allele frequency attached by ClinVar (database versions not stated): gnomAD exomes below 0.00001; gnomAD 0.00001.

Submission:

Labcorp Genetics (formerly Invitae), Labcorp
Classification: Uncertain significance for Mucopolysaccharidosis, MPS-III-A. Last evaluated: 2024-07-24. Review status: criteria provided, single submitter. Criteria: Invitae Variant Classification Sherloc (09022015). Collection method: clinical testing. Allele origin: germline.
Comment: This sequence change replaces tyrosine, which is neutral and polar, with histidine, which is basic and polar, at codon 333 of the SGSH protein (p.Tyr333His). This variant is present in population databases (no rsID available, gnomAD 0.003%). This variant has not been reported in the literature in individuals affected with SGSH-related conditions. ClinVar contains an entry for this variant (Variation ID: 1415673). Advanced modeling of protein sequence and biophysical properties (such as structural, functional, and spatial information, amino acid conservation, physicochemical variation, residue mobility, and thermodynamic stability) has been performed at Invitae for this missense variant, however the output from this modeling did not meet the statistical confidence thresholds required to predict the impact of this variant on SGSH protein function. In summary, the available evidence is currently insufficient to determine the role of this variant in disease. Therefore, it has been classified as a Variant of Uncertain Significance.